The following is an entry in ClinVar:

NM_006431.3(CCT2):c.1232-3del

Gene: CCT2 (chaperonin containing TCP1 subunit 2; plus strand). Cytogenetic location: 12q15.
Variant type: Deletion.
Coding change: c.1232-3del on transcript NM_006431.3 (MANE Select); 3 bases into the intron before coding-DNA position 1232, one base deleted (T; older notation c.1232-3delT).
Molecular consequence: intron variant.
Genome position (GRCh38, 1-based): chr12:69,597,965, T deleted; the last of 3 consecutive T bases (chr12:69,597,963-69,597,965); deleting any one gives the same sequence. VCF-style (leftmost placement, unchanged base first): chr12-69597962-CT-C. GRCh37 (hg19) VCF-style: chr12-69991742-CT-C.
Other names: c.1091-3del (NM_001198842.2).
Identifiers: ClinVar variation 1471579 (VCV001471579.6), dbSNP rs1882039472, ClinGen allele CA2044448799.
Genomic context (GRCh38, chr12:69,597,962, plus strand): 5'-GTCAGTAATTCAGTATCTTGGAGACAACTAAGCATTGCAATATTTTATTGGAATTTTAAT[CT>C]TTAGGCTGTTCTGAGATGTTGATGGCTCATGCTGTGACACAGCTTGCCAATAGAACACCA-3'

ClinVar aggregate classification (germline): Uncertain significance (1 of 4 stars; one submission).

Submission:

Labcorp Genetics (formerly Invitae), Labcorp
Classification: Uncertain significance. Last evaluated: 2022-06-27. Review status: criteria provided, single submitter. Criteria: Invitae Variant Classification Sherloc (09022015). Collection method: clinical testing. Allele origin: germline.
Comment: In summary, the available evidence is currently insufficient to determine the role of this variant in disease. Therefore, it has been classified as a Variant of Uncertain Significance. Variants that disrupt the consensus splice site are a relatively common cause of aberrant splicing (PMID: 17576681, 9536098). Algorithms developed to predict the effect of sequence changes on RNA splicing suggest that this variant is not likely to affect RNA splicing. This variant has not been reported in the literature in individuals affected with CCT2-related conditions. This variant is not present in population databases (gnomAD no frequency). This sequence change falls in intron 12 of the CCT2 gene. It does not directly change the encoded amino acid sequence of the CCT2 protein. It affects a nucleotide within the consensus splice site.

Literature cited by the submitters: PubMed 17576681; PubMed 9536098.